The following is an entry in ClinVar:

ClinVar aggregate classification (germline): Likely pathogenic (1 of 4 stars; one submission).

Conditions:
Retinoblastoma (RB1). Also called: RETINOBLASTOMA, SOMATIC. Identifiers: Orphanet 790, MedGen C0035335, MeSH D012175, MONDO:0008380, OMIM 180200, HP:0009919. Disease mechanism: loss of function. Inheritance: Both sporadic and heritable forms are tested..

Submission:

Diller/Parad Lab, Dana-Farber/Harvard Cancer Center
Classification: Likely pathogenic for Retinoblastoma. Last evaluated: 2026-05-29. Review status: criteria provided, single submitter. Criteria: ACMG Guidelines, 2015. Collection method: research. Allele origin: germline. Affected: yes.
Comment: It has been classified as Likely Pathogenic using Richards et al (PMID:25741868) based on the following evidence codes: PM2, PVS1.

NM_000321.3(RB1):c.2450_2453del (p.Glu817fs)

Gene: RB1 (RB transcriptional corepressor 1; plus strand). Cytogenetic location: 13q14.2.
Variant type: Deletion.
Coding change: c.2450_2453del on transcript NM_000321.3 (MANE Select); coding-DNA positions 2450 to 2453, 4 bases deleted (AAGG; older notation c.2450_2453delAAGG).
Protein change: p.Glu817fs; shifts the reading frame from glutamic acid 817.
Molecular consequence: frameshift variant.
Genome position (GRCh38, 1-based): chr13:48,465,329-48,465,332, AAGG deleted; deleting any 4 consecutive bases within chr13:48,465,328-48,465,332 gives the same sequence; the c. name uses the placement nearest the transcript's 3' end. VCF-style (leftmost placement, unchanged base first): chr13-48465327-AGAAG-A. GRCh37 (hg19) VCF-style: chr13-49039463-AGAAG-A.
Other names: short protein forms E817fs.
Identifiers: ClinVar variation 4884447 (VCV004884447.1).